The following is an entry in ClinVar:

ClinVar aggregate classification (germline): Likely benign. Review status: criteria provided, multiple submitters, no conflicts (2 of 4 stars). 2 submissions from 2 submitters: Likely benign (2). Last evaluated 2018-06-16.

Allele frequency attached by ClinVar (database versions not stated): gnomAD exomes 0.01594; gnomAD 0.02016 and 0.02234; TOPMed 0.02844; 1000 Genomes Project 0.05371; 1000 Genomes Project 30x 0.05403.
gnomAD v4.1: 20,044 of 1,178,640 alleles (1.7%); highest among the groups gnomAD compares: East Asian, 18%; 1,223 homozygotes.

Submissions (2):

GeneDx
Classification: Likely benign. Last evaluated: 2018-06-16. Review status: criteria provided, single submitter. Criteria: GeneDx Variant Classification (06012015). Collection method: clinical testing. Allele origin: germline. Affected: yes.
Comment: This variant is considered likely benign or benign based on one or more of the following criteria: it is a conservative change, it occurs at a poorly conserved position in the protein, it is predicted to be benign by multiple in silico algorithms, and/or has population frequency not consistent with disease.

Breakthrough Genomics
Classification: Likely benign. Review status: criteria provided, single submitter. Criteria: ACMG Guidelines, 2015. Collection method: not provided. Allele origin: germline. Inheritance: Autosomal recessive inheritance. Affected: yes.

NM_006767.4(LZTR1):c.1150-54G>A

Gene: LZTR1 (leucine zipper like post translational regulator 1; plus strand). Cytogenetic location: 22q11.21.
Variant type: single nucleotide variant.
Coding change: c.1150-54G>A on transcript NM_006767.4 (MANE Select); 54 bases into the intron before coding-DNA position 1150, G replaced by A.
Molecular consequence: intron variant.
Genome position (GRCh38, 1-based): chr22:20,992,740, G>A. VCF-style: chr22-20992740-G-A. GRCh37 (hg19) VCF-style: chr22-21347029-G-A.
Identifiers: ClinVar variation 561427 (VCV000561427.2), dbSNP rs5761738, ClinGen allele CA322267860.
Genomic context (GRCh38, chr22:20,992,740, plus strand): 5'-CCCCCTGGCCCTTCATGGCCATGAGGTGCCGCATCCTTGCCTTACCTGGCTGCACCAGCC[G>A]CACTGTGGAGGCTCTGCTCCCCCACCATTCCACCCTGCCTTCTTGTCCCCCAGCTGCCCA-3'